The following is an entry in ClinVar:

ClinVar aggregate classification (germline): Likely benign (0 of 4 stars; one submission).

Conditions:
MYOM2-related disorder. Also called: MYOM2-related condition.

Allele frequency attached by ClinVar (database versions not stated): gnomAD exomes 0.00020; ExAC 0.00082.

Submission:

PreventionGenetics, part of Exact Sciences
Classification: Likely benign for MYOM2-related condition. Last evaluated: 2019-06-10. Review status: no assertion criteria provided. Collection method: clinical testing. Allele origin: germline.
Comment: This variant is classified as likely benign based on ACMG/AMP sequence variant interpretation guidelines (Richards et al. 2015 PMID: 25741868, with internal and published modifications).

NM_003970.4(MYOM2):c.2290C>T (p.Pro764Ser)

Gene: MYOM2 (myomesin 2; plus strand). Cytogenetic location: 8p23.3.
Variant type: single nucleotide variant.
Coding change: c.2290C>T on transcript NM_003970.4 (MANE Select); coding-DNA position 2290, C replaced by T.
Protein change: p.Pro764Ser; replaces proline 764 with serine.
Molecular consequence: missense variant.
Genome position (GRCh38, 1-based): chr8:2,096,411, C>T. VCF-style: chr8-2096411-C-T. GRCh37 (hg19) VCF-style: chr8-2044251-C-T.
Other names: short protein forms P764S.
Identifiers: ClinVar variation 3043808 (VCV003043808.2), dbSNP rs762018235, ClinGen allele CA170457208.